The following is an entry in ClinVar:

NM_005732.4(RAD50):c.139G>C (p.Glu47Gln)

Gene: RAD50 (RAD50 double strand break repair protein; plus strand). Cytogenetic location: 5q31.1.
Variant type: single nucleotide variant.
Coding change: c.139G>C on transcript NM_005732.4 (MANE Select); coding-DNA position 139, G replaced by C.
Protein change: p.Glu47Gln; replaces glutamic acid 47 with glutamine.
Molecular consequence: missense variant.
Genome position (GRCh38, 1-based): chr5:132,559,293, G>C. VCF-style: chr5-132559293-G-C. GRCh37 (hg19) VCF-style: chr5-131894985-G-C.
Other names: short protein forms E47Q.
Identifiers: ClinVar variation 944351 (VCV000944351.10), dbSNP rs1750077980, ClinGen allele CA360953205.
Genomic context (GRCh38, chr5:132,559,293, plus strand): 5'-AACTTCTGTGGTTCTCTTATAACGAAATAATGTAATTTTCTATTTCTTTAGACCATCATT[G>C]AATGTCTAAAATATATTTGTACTGGAGATTTCCCTCCTGGAACCAAAGGAAATACATTTG-3'
Protein context (NP_005723.2, residues 37-57): PNGAGKTTII[Glu47Gln]CLKYICTGDF

ClinVar aggregate classification (germline): Uncertain significance (1 of 4 stars; one submission).

Conditions:
Hereditary cancer-predisposing syndrome. Also called: Neoplastic Syndromes, Hereditary; Hereditary Cancer Syndrome; Tumor predisposition; Hereditary neoplastic syndrome. Identifiers: Orphanet 140162, MedGen C0027672, MeSH D009386, MONDO:0015356.

Submission:

Labcorp Genetics (formerly Invitae), Labcorp
Classification: Uncertain significance for Hereditary cancer-predisposing syndrome. Last evaluated: 2019-10-30. Review status: criteria provided, single submitter. Criteria: Invitae Variant Classification Sherloc (09022015). Collection method: clinical testing. Allele origin: germline.
Comment: This sequence change replaces glutamic acid with glutamine at codon 47 of the RAD50 protein (p.Glu47Gln). The glutamic acid residue is highly conserved and there is a small physicochemical difference between glutamic acid and glutamine. This variant is not present in population databases (ExAC no frequency). This variant has not been reported in the literature in individuals with RAD50-related conditions. Algorithms developed to predict the effect of missense changes on protein structure and function are either unavailable or do not agree on the potential impact of this missense change (SIFT: "Deleterious"; PolyPhen-2: "Probably Damaging"; Align-GVGD: "Class C0"). In summary, the available evidence is currently insufficient to determine the role of this variant in disease. Therefore, it has been classified as a Variant of Uncertain Significance.